The following is an entry in ClinVar:

NM_032043.3(BRIP1):c.144A>G (p.Thr48=)

Gene: BRIP1 (BRCA1 interacting DNA helicase 1; minus strand). Cytogenetic location: 17q23.2.
Variant type: single nucleotide variant.
Coding change: c.144A>G on transcript NM_032043.3 (MANE Select); coding-DNA position 144, A replaced by G.
Protein change: p.Thr48=; no amino-acid change (threonine 48 retained).
Molecular consequence: synonymous variant.
Genome position (GRCh38, 1-based): chr17:61,859,857, T>C on the plus strand (A>G on the coding strand, the complement: BRIP1 is on the minus strand). VCF-style: chr17-61859857-T-C. GRCh37 (hg19) VCF-style: chr17-59937218-T-C.
Identifiers: ClinVar variation 491405 (VCV000491405.16), dbSNP rs1423058475, ClinGen allele CA501151688.
Genomic context (GRCh38, chr17:61,859,857, plus strand): 5'-ACTAAGAGATTGTTGCCATGCTAAAGCAGAACAAAGTAAGGCTAAGCTTTTTCCACTTCC[T>C]GTGGGACTCTCCAACAAACAATGTTGCTTGCTGTTTAATCCTCTGAGAATCTATGAACAC-3'
Protein context (NP_114432.2, residues 38-58): SKQHCLLESP[Thr48=]GSGKSLALLC

ClinVar aggregate classification (germline): Benign/Likely benign. Review status: criteria provided, multiple submitters, no conflicts (2 of 4 stars). 4 submissions from 4 submitters: Benign (1); Likely benign (3). Last evaluated 2024-10-22.

Conditions:
Hereditary cancer-predisposing syndrome. Also called: Tumor predisposition; Neoplastic Syndromes, Hereditary; Hereditary Cancer Syndrome; Hereditary neoplastic syndrome. Identifiers: Orphanet 140162, MedGen C0027672, MeSH D009386, MONDO:0015356.
Fanconi anemia complementation group J. Also called: BRIP1-Related Fanconi Anemia. Identifiers: Orphanet 84, MedGen C1836860, MONDO:0012187, OMIM 609054.
Familial cancer of breast. Also called: BREAST CANCER, FAMILIAL; hereditary breast carcinoma; Hereditary breast cancer. Identifiers: Orphanet 227535, MedGen C0346153, MONDO:0016419, OMIM 114480. Disease mechanism: loss of function.

Allele frequency attached by ClinVar (database versions not stated): gnomAD exomes below 0.00001 and 0.00001.
gnomAD v4.1: 3 of 1,613,964 alleles (0.00019%); highest among the groups gnomAD compares: Admixed American, 0.0033%; no homozygotes.

Submissions (4):

Labcorp Genetics (formerly Invitae), Labcorp
Classification: Likely benign for Familial cancer of breast; Fanconi anemia complementation group J. Last evaluated: 2024-10-22. Review status: criteria provided, single submitter. Criteria: Invitae Variant Classification Sherloc (09022015). Collection method: clinical testing. Allele origin: germline.

Myriad Genetics, Inc.
Classification: Benign for Familial cancer of breast. Last evaluated: 2024-08-09. Review status: criteria provided, single submitter. Criteria: Myriad Autosomal Dominant, Autosomal Recessive and X-Linked Classification Criteria (2023). Collection method: clinical testing. Allele origin: unknown.
Comment: This variant is considered benign. This variant is a silent/synonymous amino acid change and it is not expected to impact splicing.

Ambry Genetics
Classification: Likely benign for Hereditary cancer-predisposing syndrome. Last evaluated: 2020-07-18. Review status: criteria provided, single submitter. Criteria: Ambry Variant Classification Scheme 2023. Collection method: clinical testing. Allele origin: germline.

Color Diagnostics, LLC DBA Color Health
Classification: Likely benign for Hereditary cancer-predisposing syndrome. Last evaluated: 2016-06-27. Review status: criteria provided, single submitter. Criteria: ACMG Guidelines, 2015. Collection method: clinical testing. Allele origin: germline.